The following is an entry in ClinVar:

NM_015338.6(ASXL1):c.930C>T (p.Asn310=)

Gene: ASXL1 (ASXL transcriptional regulator 1; plus strand). Cytogenetic location: 20q11.21.
Variant type: single nucleotide variant.
Coding change: c.930C>T on transcript NM_015338.6 (MANE Select); coding-DNA position 930, C replaced by T.
Protein change: p.Asn310=; no amino-acid change (asparagine 310 retained).
Molecular consequence: synonymous variant.
Genome position (GRCh38, 1-based): chr20:32,431,630, C>T. VCF-style: chr20-32431630-C-T. GRCh37 (hg19) VCF-style: chr20-31019433-C-T.
Other names: c.747C>T, p.Asn249= (NM_001363734.1).
Identifiers: ClinVar variation 1584239 (VCV001584239.10), dbSNP rs141414870, ClinGen allele CA9808230.

ClinVar aggregate classification (germline): Likely benign. Review status: criteria provided, multiple submitters, no conflicts (2 of 4 stars). 3 submissions from 3 submitters: Likely benign (3). Last evaluated 2026-01-13.

Conditions:
Inborn genetic diseases. Identifiers: MedGen C0950123, MeSH D030342.
ASXL1-related disorder. Also called: ASXL1-related condition; ASXL1-related disorders.

Allele frequency attached by ClinVar (database versions not stated): gnomAD exomes 0.00005 and 0.00007; ExAC 0.00007; gnomAD 0.00013 and 0.00014; TOPMed 0.00015; ESP Exome Variant Server 0.00031.
gnomAD v4.1: 121 of 1,614,030 alleles (0.0075%); highest among the groups gnomAD compares: African/African-American, 0.028%; no homozygotes.

Submissions (3):

Labcorp Genetics (formerly Invitae), Labcorp
Classification: Likely benign. Last evaluated: 2026-01-13. Review status: criteria provided, single submitter. Criteria: Invitae Variant Classification Sherloc (09022015). Collection method: clinical testing. Allele origin: germline.

PreventionGenetics, part of Exact Sciences
Classification: Likely benign for ASXL1-related condition. Last evaluated: 2025-03-15. Review status: criteria provided, single submitter. Criteria: ACMG Guidelines, 2015. Collection method: clinical testing. Allele origin: germline.
Comment: This variant is classified as likely benign based on ACMG/AMP sequence variant interpretation guidelines (Richards et al. 2015 PMID: 25741868, with internal and published modifications).

Ambry Genetics
Classification: Likely benign for Inborn genetic diseases. Last evaluated: 2024-11-26. Review status: criteria provided, single submitter. Criteria: Ambry Variant Classification Scheme 2023. Collection method: clinical testing. Allele origin: germline.